The following is an entry in ClinVar:

NM_006901.4(MYO9A):c.1515C>A (p.Ala505=)

Gene: MYO9A (myosin IXA; minus strand). Cytogenetic location: 15q23.
Variant type: single nucleotide variant.
Coding change: c.1515C>A on transcript NM_006901.4 (MANE Select); coding-DNA position 1515, C replaced by A.
Protein change: p.Ala505=; no amino-acid change (alanine 505 retained).
Molecular consequence: synonymous variant.
Genome position (GRCh38, 1-based): chr15:71,994,541, G>T on the plus strand (C>A on the coding strand, the complement: MYO9A is on the minus strand). VCF-style: chr15-71994541-G-T. GRCh37 (hg19) VCF-style: chr15-72286882-G-T.
Identifiers: ClinVar variation 723083 (VCV000723083.15), dbSNP rs144541965, ClinGen allele CA7642175.

ClinVar aggregate classification (germline): Benign/Likely benign. Review status: criteria provided, multiple submitters, no conflicts (2 of 4 stars). 3 submissions from 3 submitters: Benign (1); Likely benign (2). Last evaluated 2026-02-01.

Allele frequency attached by ClinVar (database versions not stated): ESP Exome Variant Server 0.00015; 1000 Genomes Project 30x 0.00016; 1000 Genomes Project 0.00020; TOPMed 0.00037; gnomAD 0.00045 and 0.00050; ExAC 0.00067; gnomAD exomes 0.00090.
gnomAD v4.1: 719 of 1,610,730 alleles (0.045%); highest among the groups gnomAD compares: South Asian, 0.23%; 2 homozygotes.

Submissions (3):

CeGaT Center for Human Genetics Tuebingen
Classification: Likely benign. Last evaluated: 2026-02-01. Review status: criteria provided, single submitter. Criteria: CeGaT Center For Human Genetics Tuebingen Variant Classification Criteria Version 2. Collection method: clinical testing. Allele origin: germline. Affected: yes. Observed: 3 variant alleles.
Comment: MYO9A: BP4, BP7

Blueprint Genetics
Classification: Likely benign. Last evaluated: 2024-11-08. Review status: criteria provided, single submitter. Criteria: ACMG Guidelines, 2015. Collection method: clinical testing. Allele origin: germline.

Labcorp Genetics (formerly Invitae), Labcorp
Classification: Benign. Last evaluated: 2019-12-31. Review status: criteria provided, single submitter. Criteria: Invitae Variant Classification Sherloc (09022015). Collection method: clinical testing. Allele origin: germline.